The following is an entry in ClinVar:

NM_007078.3(LDB3):c.2049C>G (p.Ile683Met)

Gene: LDB3 (LIM domain binding 3; plus strand). Cytogenetic location: 10q23.2.
Variant type: single nucleotide variant.
Coding change: c.2049C>G on transcript NM_007078.3 (MANE Select); coding-DNA position 2049, C replaced by G.
Protein change: p.Ile683Met; replaces isoleucine 683 with methionine.
Molecular consequence: missense variant.
Genome position (GRCh38, 1-based): chr10:86,726,207, C>G. VCF-style: chr10-86726207-C-G. GRCh37 (hg19) VCF-style: chr10-88485964-C-G.
Other names: c.1719C>G, p.Ile573Met (NM_001080114.2); c.2064C>G, p.Ile688Met (NM_001171610.2); c.1860C>G, p.Ile620Met (NM_001368064.1, NM_001368065.1); c.1908C>G, p.Ile636Met (NM_001368066.1); short protein forms I573M, I683M, I620M, I688M, I636M.
Identifiers: ClinVar variation 3724072 (VCV003724072.2).
Genomic context (GRCh38, chr10:86,726,207, plus strand): 5'-TCTGTTCAGCACCAAGTGCCATGGCTGCGATTTCCCCGTGGAGGCTGGCGACAAGTTTAT[C>G]GAAGCCCTGGGCCACACTTGGCACGACACCTGCTTCATTTGCGCAGTATGTCTCTAGCTT-3'
Protein context (NP_009009.1, residues 673-693): DFPVEAGDKF[Ile683Met]EALGHTWHDT

ClinVar aggregate classification (germline): Uncertain significance (1 of 4 stars; one submission).

Conditions:
Myofibrillar myopathy 4. Also called: Zaspopathy (type). Identifiers: Orphanet 98912, MedGen C4721886, MONDO:0012277, OMIM 609452.

gnomAD v4.1: 1 of 1,614,096 alleles (0.000062%); highest among the groups gnomAD compares: South Asian, 0.0011%; no homozygotes.

Submission:

Labcorp Genetics (formerly Invitae), Labcorp
Classification: Uncertain significance for Myofibrillar myopathy 4. Last evaluated: 2024-10-30. Review status: criteria provided, single submitter. Criteria: Invitae Variant Classification Sherloc (09022015). Collection method: clinical testing. Allele origin: germline.
Comment: The LDB3 gene has multiple clinically relevant transcripts. This variant occurs in alternate transcript NM_007078.3, and corresponds to NM_001080116.1:c.*26833C>G in the primary transcript. This sequence change replaces isoleucine, which is neutral and non-polar, with methionine, which is neutral and non-polar, at codon 683 of the LDB3 protein (p.Ile683Met). This variant is present in population databases (rs377178682, gnomAD 0.003%). This variant has not been reported in the literature in individuals affected with LDB3-related conditions. Experimental studies and prediction algorithms are not available or were not evaluated, and the functional significance of this variant is currently unknown. In summary, the available evidence is currently insufficient to determine the role of this variant in disease. Therefore, it has been classified as a Variant of Uncertain Significance.